The following is an entry in ClinVar:

NM_001384140.1(PCDH15):c.2892G>T (p.Arg964Ser)

Gene: PCDH15 (protocadherin related 15; minus strand). Cytogenetic location: 10q21.1.
Variant type: single nucleotide variant.
Coding change: c.2892G>T on transcript NM_001384140.1 (MANE Select); coding-DNA position 2892, G replaced by T.
Protein change: p.Arg964Ser; replaces arginine 964 with serine.
Molecular consequence: missense variant.
Genome position (GRCh38, 1-based): chr10:53,961,869, C>A on the plus strand (G>T on the coding strand, the complement: PCDH15 is on the minus strand). VCF-style: chr10-53961869-C-A. GRCh37 (hg19) VCF-style: chr10-55721629-C-A.
Other names: c.2907G>T, p.Arg969Ser (NM_001142763.2, NM_001142771.2); c.2892G>T, p.Arg964Ser (NM_001142764.2, NM_001142766.2, NM_001142770.3 and 4 more transcripts); c.2679G>T, p.Arg893Ser (NM_001142765.2); c.2781G>T, p.Arg927Ser (NM_001142767.2); c.2826G>T, p.Arg942Ser (NM_001142768.2, NM_001142773.2, NM_001354404.2); c.2928G>T, p.Arg976Ser (NM_001142769.4); c.2913G>T, p.Arg971Ser (NM_001354411.2); short protein forms R893S, R927S, R942S, R964S, R969S, R971S, R976S.
Identifiers: ClinVar variation 3602290 (VCV003602290.2).
Genomic context (GRCh38, chr10:53,961,869, plus strand): 5'-ATCTTCTTCCACTTCAAAAATACTGGCAGGGTAAGGAAACTGTACATCATCTACTCTATA[C>A]CTCACACGACTTGCAGGTAATCCCTAAAATAAAATTATTAATTATTAATTTGCTGTTACC-3'
Protein context (NP_001371069.1, residues 954-974): DPPGLPASRV[Arg964Ser]YRVDDVQFPY

ClinVar aggregate classification (germline): Uncertain significance. Review status: criteria provided, single submitter (1 of 4 stars). 2 submissions from 2 submitters: Uncertain significance (1). 1 of the submissions does not count toward it. Last evaluated 2024-07-31.

Conditions:
Usher syndrome type 1F (USH1F). Also called: USHER SYNDROME, TYPE IF. Identifiers: Orphanet 231169, Orphanet 886, MedGen C1865885, MONDO:0011186, OMIM 602083.

Submissions (2):

GeneDx
Classification: Uncertain significance. Last evaluated: 2024-07-31. Review status: criteria provided, single submitter. Criteria: GeneDx Variant Classification Process June 2021. Collection method: clinical testing. Allele origin: germline. Affected: yes.
Comment: In silico analysis supports that this missense variant has a deleterious effect on protein structure/function; Has not been previously published as pathogenic or benign to our knowledge

Natera, Inc.
Classification: Uncertain significance for Usher syndrome type 1F. Last evaluated: 2025-04-17. Review status: no assertion criteria provided. Collection method: clinical testing. Allele origin: germline. Not counted in ClinVar's aggregate classification.